The following is an entry in ClinVar:

NM_001379081.2(FREM1):c.3694+1G>T

Gene: FREM1 (FRAS1 related extracellular matrix 1; minus strand). Cytogenetic location: 9p22.3.
Variant type: single nucleotide variant.
Coding change: c.3694+1G>T on transcript NM_001379081.2 (MANE Select); the canonical splice donor site of the intron after coding-DNA position 3694, G replaced by T.
Molecular consequence: splice donor variant.
Genome position (GRCh38, 1-based): chr9:14,801,651, C>A on the plus strand (G>T on the coding strand, the complement: FREM1 is on the minus strand). VCF-style: chr9-14801651-C-A. GRCh37 (hg19) VCF-style: chr9-14801649-C-A.
Other names: c.3694+1G>T (NM_144966.7).
Identifiers: ClinVar variation 1519243 (VCV001519243.6), dbSNP rs1187630820, ClinGen allele CA372967532.

ClinVar aggregate classification (germline): Likely pathogenic (1 of 4 stars; one submission).

Submission:

Labcorp Genetics (formerly Invitae), Labcorp
Classification: Likely pathogenic. Last evaluated: 2025-12-08. Review status: criteria provided, single submitter. Criteria: Invitae Variant Classification Sherloc (09022015). Collection method: clinical testing. Allele origin: germline.
Comment: This sequence change affects a donor splice site in intron 21 of the FREM1 gene. It is expected to disrupt RNA splicing. Variants that disrupt the donor or acceptor splice site typically lead to a loss of protein function (PMID: 16199547), and loss-of-function variants in FREM1 are known to be pathogenic (PMID: 19732862, 21507892). This variant is not present in population databases (gnomAD no frequency). This variant has not been reported in the literature in individuals affected with FREM1-related conditions. ClinVar contains an entry for this variant (Variation ID: 1519243). Algorithms developed to predict the effect of sequence changes on RNA splicing suggest that this variant may disrupt the consensus splice site. In summary, the currently available evidence indicates that the variant is pathogenic, but additional data are needed to prove that conclusively. Therefore, this variant has been classified as Likely Pathogenic.

Literature cited by the submitters: PubMed 16199547; PubMed 19732862; PubMed 21507892.